The following is an entry in ClinVar:

ClinVar aggregate classification (germline): Likely benign (1 of 4 stars; one submission).

Conditions:
Keratosis follicularis (DAR). Also called: Darier disease; Darier's disease. Identifiers: Orphanet 218, MedGen C0022595, MONDO:0007417, OMIM 124200.

Allele frequency attached by ClinVar (database versions not stated): TOPMed 0.00001; ExAC 0.00002; gnomAD 0.00002; gnomAD exomes 0.00002 and 0.00010.
gnomAD v4.1: 147 of 1,614,016 alleles (0.0091%); highest among the groups gnomAD compares: Non-Finnish European, 0.012%; no homozygotes.

Submission:

Illumina Laboratory Services, Illumina
Classification: Likely benign for Keratosis follicularis. Last evaluated: 2018-01-13. Review status: criteria provided, single submitter. Criteria: ICSL Variant Classification Criteria 13 December 2019. Collection method: clinical testing. Allele origin: germline.
Comment: This variant was observed in the ICSL laboratory as part of a predisposition screen in an ostensibly healthy population. It had not been previously curated by ICSL or reported in the Human Gene Mutation Database (HGMD: prior to June 1st, 2018), and was therefore a candidate for classification through an automated scoring system. Utilizing variant allele frequency, disease prevalence and penetrance estimates, and inheritance mode, an automated score was calculated to assess if this variant is too frequent to cause the disease. Based on the score and internal cut-off values, a variant classified as likely benign is not then subjected to further curation. The score for this variant resulted in a classification of likely benign for this disease.

NM_170665.4(ATP2A2):c.*3837C>T

Gene: ATP2A2 (ATPase sarcoplasmic/endoplasmic reticulum Ca2+ transporting 2; plus strand). Cytogenetic location: 12q24.11.
Variant type: single nucleotide variant.
Coding change: c.*3837C>T on transcript NM_170665.4 (MANE Select); 3837 bases downstream of the stop codon, C replaced by T.
Molecular consequence: 3 prime UTR variant.
Genome position (GRCh38, 1-based): chr12:110,350,307, C>T. VCF-style: chr12-110350307-C-T. GRCh37 (hg19) VCF-style: chr12-110788112-C-T.
Other names: c.*2C>T (NM_001681.4).
Identifiers: ClinVar variation 307188 (VCV000307188.5), dbSNP rs769621334, ClinGen allele CA6784340.
Genomic context (GRCh38, chr12:110,350,307, plus strand): 5'-TCTCTGTATTTCATGAAGCTGATTTCCTCTCTCTTTCCTTTTCAGCAATACTGGAGTAAC[C>T]GCTTCCTAAACCATTTTGCAGAAATGTAAGGGTGTTCGGTTGCGTGCATGTGCGTTTTTA-3'